The following is an entry in ClinVar:

NM_000451.4(SHOX):c.58A>G (p.Asn20Asp)

Gene: SHOX (SHOX homeobox; plus strand). Cytogenetic location: Yp11.2.
Variant type: single nucleotide variant.
Coding change: c.58A>G on transcript NM_000451.4 (MANE Select); coding-DNA position 58, A replaced by G.
Protein change: p.Asn20Asp; replaces asparagine 20 with aspartic acid.
Molecular consequence: missense variant.
Genome position (GRCh38, 1-based): chrX:630,955, A>G. VCF-style: chrX-630955-A-G. GRCh37 (hg19) VCF-style: chrX-591690-A-G.
Other names: c.58A>G, p.Asn20Asp (NM_006883.2); short protein forms N20D.
Identifiers: ClinVar variation 4083165 (VCV004083165.1).
Genomic context (GRCh38, chrX:630,955, plus strand): 5'-GCCATGGAAGAGCTCACGGCTTTTGTATCCAAGTCTTTTGACCAGAAAAGCAAGGACGGT[A>G]ACGGCGGAGGCGGAGGCGGCGGAGGTAAGAAGGATTCCATTACGTACCGGGAAGTTTTGG-3'
Protein context (NP_000442.1, residues 10-30): KSFDQKSKDG[Asn20Asp]GGGGGGGGKK

ClinVar aggregate classification (germline): Uncertain significance (1 of 4 stars; one submission).

gnomAD v4.1: 6 of 1,613,816 alleles (0.00037%); highest among the groups gnomAD compares: Middle Eastern, 0.017%; no homozygotes.

Submission:

GeneDx
Classification: Uncertain significance. Last evaluated: 2025-03-12. Review status: criteria provided, single submitter. Criteria: GeneDx Variant Classification Process June 2021. Collection method: clinical testing. Allele origin: germline. Affected: yes.
Comment: In silico analysis indicates that this missense variant does not alter protein structure/function; Has not been previously published as pathogenic or benign to our knowledge